The following is an entry in ClinVar:

ClinVar aggregate classification (germline): Pathogenic/Likely pathogenic. Review status: criteria provided, multiple submitters, no conflicts (2 of 4 stars). 2 submissions from 2 submitters: Pathogenic (1); Likely pathogenic (1). Last evaluated 2024-12-12.

Conditions:
Familial dysautonomia. Also called: HSAN III; FD. Identifiers: Orphanet 1764, MedGen C0013364, MONDO:0009131, OMIM 223900. Disease mechanism: loss of function.

Submissions (2):

Natera, Inc.
Classification: Likely pathogenic for Familial dysautonomia. Last evaluated: 2024-12-12. Review status: criteria provided, single submitter. Criteria: Natera Variant Classification Schema (03/2026). Collection method: clinical testing. Allele origin: germline.
Comment: The c.628_631dupAGTG variant in ELP1 is a frameshift variant predicted to shift the reading frame beginning at codon 211 and leads to a stop codon 26 codons downstream. This variant is expected to result in nonsense mediated decay, truncation, or a dysfunctional protein product. This variant is rare in the general population with a frequency below the threshold expected for the associated phenotype(s). Given the available evidence, this variant is classified as Likely Pathogenic.

Labcorp Genetics (formerly Invitae), Labcorp
Classification: Pathogenic. Last evaluated: 2023-12-31. Review status: criteria provided, single submitter. Criteria: Invitae Variant Classification Sherloc (09022015). Collection method: clinical testing. Allele origin: germline.
Comment: This sequence change creates a premature translational stop signal (p.Val211Glufs*26) in the ELP1 gene. It is expected to result in an absent or disrupted protein product. Loss-of-function variants in ELP1 are known to be pathogenic (PMID: 18303054, 24173031). This variant is not present in population databases (gnomAD no frequency). This variant has not been reported in the literature in individuals affected with ELP1-related conditions. For these reasons, this variant has been classified as Pathogenic.

Literature cited by the submitters: PubMed 18303054 (cited by Labcorp Genetics (formerly Invitae), Labcorp); PubMed 24173031 (cited by Labcorp Genetics (formerly Invitae), Labcorp).

NM_003640.5(ELP1):c.628_631dup (p.Val211fs)

Gene: ELP1 (elongator acetyltransferase complex subunit 1; minus strand). Cytogenetic location: 9q31.3.
Variant type: Duplication.
Coding change: c.628_631dup on transcript NM_003640.5 (MANE Select); coding-DNA positions 628 to 631, 4 bases duplicated (AGTG; older notation c.628_631dupAGTG).
Protein change: p.Val211fs; shifts the reading frame from valine 211.
Molecular consequence: frameshift variant. On other transcripts: intron variant (1).
Genome position (GRCh38, 1-based): chr9:108,919,271-108,919,274, CACT duplicated on the plus strand (AGTG on the coding strand, the reverse complement: ELP1 is on the minus strand); duplicating any 4 consecutive bases within chr9:108,919,271-108,919,277 gives the same sequence; the c. name uses the placement nearest the transcript's 3' end. VCF-style (leftmost placement, unchanged base first): chr9-108919270-A-ACACT. GRCh37 (hg19) VCF-style: chr9-111681550-A-ACACT.
Other names: c.628_631dupAGTG (NM_003640.4); c.286_289dup, p.Val97fs (NM_001318360.2); c.-307-1604_-307-1601dup (NM_001330749.2); short protein forms V211fs, V97fs.
Identifiers: ClinVar variation 2975243 (VCV002975243.4), dbSNP rs2537943393, ClinGen allele CA2740095561.